The following is an entry in ClinVar:

ClinVar aggregate classification (germline): Pathogenic/Likely pathogenic. Review status: criteria provided, multiple submitters, no conflicts (2 of 4 stars). 2 submissions from 2 submitters: Pathogenic (1); Likely pathogenic (1). Last evaluated 2024-08-08.

Conditions:
CNKSR2-related disorder. Also called: CNKSR2-related condition.
Intellectual developmental disorder, X-linked, syndromic, Houge type. Also called: MENTAL RETARDATION, X-LINKED, SYNDROMIC, HOUGE TYPE; Intellectual disability, X-linked, syndromic, Houge type. Identifiers: MedGen C4538788, MONDO:0030909, OMIM 301008.

Submissions (2):

3billion
Classification: Likely pathogenic for Intellectual developmental disorder, X-linked, syndromic, Houge type. Last evaluated: 2024-08-08. Review status: criteria provided, single submitter. Criteria: ACMG Guidelines, 2015. Collection method: clinical testing. Allele origin: germline. Affected: yes.
Comment: The variant is not observed in the gnomAD v4.0.0 dataset. Predicted Consequence/Location: Frameshift: predicted to result in a loss or disruption of normal protein function through nonsense-mediated decay (NMD) or protein truncation. Multiple pathogenic variants are reported downstream of the variant. Therefore, this variant is classified as Likely pathogenic according to the recommendation of ACMG/AMP guideline.

Blueprint Genetics
Classification: Pathogenic for CNKSR2-related disorders. Last evaluated: 2022-02-03. Review status: criteria provided, single submitter. Criteria: ACMG Guidelines, 2015. Collection method: clinical testing. Allele origin: germline. Affected: yes. Observed: 1 variant allele.

NM_014927.5(CNKSR2):c.2019_2022del (p.Glu675fs)

Gene: CNKSR2 (connector enhancer of kinase suppressor of Ras 2; plus strand). Cytogenetic location: Xp22.12.
Variant type: Deletion.
Coding change: c.2019_2022del on transcript NM_014927.5 (MANE Select); coding-DNA positions 2019 to 2022, 4 bases deleted (AAGA; older notation c.2019_2022delAAGA).
Protein change: p.Glu675fs; shifts the reading frame from glutamic acid 675.
Molecular consequence: frameshift variant.
Genome position (GRCh38, 1-based): chrX:21,601,324-21,601,327, AAGA deleted; deleting any 4 consecutive bases within chrX:21,601,321-21,601,327 gives the same sequence; the c. name uses the placement nearest the transcript's 3' end. VCF-style (leftmost placement, unchanged base first): chrX-21601320-CAGAA-C. GRCh37 (hg19) VCF-style: chrX-21619438-CAGAA-C.
Other names: c.1929_1932del, p.Glu645fs (NM_001168647.3, NM_001330773.2); c.2019_2022del, p.Glu675fs (NM_001168648.3); c.1872_1875del, p.Glu626fs (NM_001168649.3, NM_001330770.2); c.1782_1785del, p.Glu596fs (NM_001330771.2, NM_001330772.2); short protein forms E596fs, E626fs, E645fs, E675fs.
Identifiers: ClinVar variation 4291827 (VCV004291827.2).
Genomic context (GRCh38, chrX:21,601,320, plus strand): 5'-ATTTTAATATTTGTTTTCTCAGGTGGCTTAACAGAATTAATATGCTGACTGCAGGATATG[CAGAA>C]AGAGAGAGGATTAAGCAGGAACAAGGTAAAGGAATACTTTTTTAAAATAATTATGTTATA-3'